The following is an entry in ClinVar:

ClinVar aggregate classification (germline): Uncertain significance. Review status: criteria provided, multiple submitters, no conflicts (2 of 4 stars). 2 submissions from 2 submitters: Uncertain significance (2). Last evaluated 2023-01-12.

Conditions:
Hypertrophic cardiomyopathy. Also called: HYPERTROPHIC MYOCARDIOPATHY. Identifiers: Orphanet 217569, MedGen C0007194, MeSH D002312, MONDO:0005045, HP:0001639.

Allele frequency attached by ClinVar (database versions not stated): TOPMed 0.00001.

Submissions (2):

Ambry Genetics
Classification: Uncertain significance. Last evaluated: 2023-01-12. Review status: criteria provided, single submitter. Criteria: Ambry Variant Classification Scheme 2023. Collection method: clinical testing. Allele origin: germline.
Comment: The p.S877T variant (also known as c.2630G>C), located in coding exon 17 of the MYOM1 gene, results from a G to C substitution at nucleotide position 2630. The serine at codon 877 is replaced by threonine, an amino acid with similar properties. This amino acid position is conserved. In addition, this alteration is predicted to be tolerated by in silico analysis. Since supporting evidence is limited at this time, the clinical significance of this alteration remains unclear.

Labcorp Genetics (formerly Invitae), Labcorp
Classification: Uncertain significance for Hypertrophic cardiomyopathy. Last evaluated: 2022-05-05. Review status: criteria provided, single submitter. Criteria: Invitae Variant Classification Sherloc (09022015). Collection method: clinical testing. Allele origin: germline.
Comment: In summary, the available evidence is currently insufficient to determine the role of this variant in disease. Therefore, it has been classified as a Variant of Uncertain Significance. Algorithms developed to predict the effect of missense changes on protein structure and function (SIFT, PolyPhen-2, Align-GVGD) all suggest that this variant is likely to be tolerated. This variant has not been reported in the literature in individuals affected with MYOM1-related conditions. This variant is not present in population databases (gnomAD no frequency). This sequence change replaces serine, which is neutral and polar, with threonine, which is neutral and polar, at codon 877 of the MYOM1 protein (p.Ser877Thr).

NM_003803.4(MYOM1):c.2630G>C (p.Ser877Thr)

Gene: MYOM1 (myomesin 1; minus strand). Cytogenetic location: 18p11.31.
Variant type: single nucleotide variant.
Coding change: c.2630G>C on transcript NM_003803.4 (MANE Select); coding-DNA position 2630, G replaced by C.
Protein change: p.Ser877Thr; replaces serine 877 with threonine.
Molecular consequence: missense variant. On other transcripts: intron variant (1).
Genome position (GRCh38, 1-based): chr18:3,129,396, C>G on the plus strand (G>C on the coding strand, the complement: MYOM1 is on the minus strand). VCF-style: chr18-3129396-C-G. GRCh37 (hg19) VCF-style: chr18-3129394-C-G.
Other names: c.2630G>C (NM_003803.3); c.2506+1979G>C (NM_019856.2); short protein forms S877T.
Identifiers: ClinVar variation 1416526 (VCV001416526.9), dbSNP rs1313786328, ClinGen allele CA401710105.